The following is an entry in ClinVar:

ClinVar aggregate classification (germline): Uncertain significance (1 of 4 stars; one submission).

Submission:

GeneDx
Classification: Uncertain significance. Last evaluated: 2026-04-20. Review status: criteria provided, single submitter. Criteria: GeneDx Variant Classification Process June 2021. Collection method: clinical testing. Allele origin: germline.
Comment: Not observed at significant frequency in large population cohorts (gnomAD); In silico analysis supports that this missense variant has a deleterious effect on protein structure/function; Has not been previously published as pathogenic or benign to our knowledge; Not located in one of the three hot-spot regions of the RYR2 gene, where the majority of pathogenic missense variants occur (PMID: 19926015); This variant is associated with the following publications: (PMID: 19926015)

NM_001035.3(RYR2):c.9481G>C (p.Ala3161Pro)

Gene: RYR2 (ryanodine receptor 2; plus strand). Cytogenetic location: 1q43.
Variant type: single nucleotide variant.
Coding change: c.9481G>C on transcript NM_001035.3 (MANE Select); coding-DNA position 9481, G replaced by C.
Protein change: p.Ala3161Pro; replaces alanine 3161 with proline.
Molecular consequence: missense variant.
Genome position (GRCh38, 1-based): chr1:237,705,244, G>C. VCF-style: chr1-237705244-G-C. GRCh37 (hg19) VCF-style: chr1-237868544-G-C.
Other names: short protein forms A3161P.
Identifiers: ClinVar variation 5037445 (VCV005037445.1).